The following is an entry in ClinVar:

NM_004168.4(SDHA):c.293C>T (p.Ser98Leu)

Gene: SDHA (succinate dehydrogenase complex flavoprotein subunit A; plus strand). Cytogenetic location: 5p15.33.
Variant type: single nucleotide variant.
Coding change: c.293C>T on transcript NM_004168.4 (MANE Select); coding-DNA position 293, C replaced by T.
Protein change: p.Ser98Leu; replaces serine 98 with leucine.
Molecular consequence: missense variant.
Genome position (GRCh38, 1-based): chr5:224,502, C>T. VCF-style: chr5-224502-C-T. GRCh37 (hg19) VCF-style: chr5-224617-C-T.
Other names: c.293C>T, p.Ser98Leu (NM_001294332.2, NM_001330758.2); short protein forms S98L.
Identifiers: ClinVar variation 646704 (VCV000646704.16), dbSNP rs1579381851, ClinGen allele CA359008658.

ClinVar aggregate classification (germline): Uncertain significance. Review status: criteria provided, multiple submitters, no conflicts (2 of 4 stars). 3 submissions from 3 submitters: Uncertain significance (3). Last evaluated 2026-07-23.

Conditions:
Mitochondrial complex II deficiency, nuclear type 1. Also called: SUCCINATE CoQ REDUCTASE DEFICIENCY. Identifiers: Orphanet 3208, MedGen C5700310, MONDO:0100294, OMIM 252011.
Pheochromocytoma/paraganglioma syndrome 5. Also called: Paragangliomas 5; SDHA-Related Hereditary Paraganglioma-Pheochromocytoma Syndrome. Identifiers: Orphanet 29072, MedGen C3279992, MONDO:0013602, OMIM 614165.
Hereditary cancer-predisposing syndrome. Also called: Neoplastic Syndromes, Hereditary; Hereditary Cancer Syndrome; Hereditary neoplastic syndrome; Tumor predisposition. Identifiers: Orphanet 140162, MedGen C0027672, MeSH D009386, MONDO:0015356.

Submissions (3):

Ambry Genetics
Classification: Uncertain significance for Hereditary cancer-predisposing syndrome. Last evaluated: 2026-07-23. Review status: criteria provided, single submitter. Criteria: Ambry Variant Classification Scheme 2023. Collection method: clinical testing. Allele origin: germline.

Labcorp Genetics (formerly Invitae), Labcorp
Classification: Uncertain significance for Pheochromocytoma/paraganglioma syndrome 5; Mitochondrial complex II deficiency, nuclear type 1. Last evaluated: 2025-01-23. Review status: criteria provided, single submitter. Criteria: Invitae Variant Classification Sherloc (09022015). Collection method: clinical testing. Allele origin: germline.
Comment: This sequence change replaces serine, which is neutral and polar, with leucine, which is neutral and non-polar, at codon 98 of the SDHA protein (p.Ser98Leu). This variant is not present in population databases (gnomAD no frequency). This variant has not been reported in the literature in individuals affected with SDHA-related conditions. ClinVar contains an entry for this variant (Variation ID: 646704). Invitae Evidence Modeling of protein sequence and biophysical properties (such as structural, functional, and spatial information, amino acid conservation, physicochemical variation, residue mobility, and thermodynamic stability) has been performed for this missense variant. However, the output from this modeling did not meet the statistical confidence thresholds required to predict the impact of this variant on SDHA protein function. In summary, the available evidence is currently insufficient to determine the role of this variant in disease. Therefore, it has been classified as a Variant of Uncertain Significance.

Baylor Genetics
Classification: Uncertain significance for Mitochondrial complex II deficiency, nuclear type 1. Last evaluated: 2019-02-07. Review status: criteria provided, single submitter. Criteria: ACMG Guidelines, 2015. Collection method: clinical testing. Allele origin: maternal. Affected: yes.
Comment: This variant was determined to be of uncertain significance according to ACMG Guidelines, 2015 [PMID:25741868].